The following is an entry in ClinVar:

NM_001291867.2(NHS):c.4699T>C (p.Ser1567Pro)

Gene: NHS (NHS actin remodeling regulator; plus strand). Cytogenetic location: Xp22.13.
Variant type: single nucleotide variant.
Coding change: c.4699T>C on transcript NM_001291867.2 (MANE Select); coding-DNA position 4699, T replaced by C.
Protein change: p.Ser1567Pro; replaces serine 1567 with proline.
Molecular consequence: missense variant.
Genome position (GRCh38, 1-based): chrX:17,732,207, T>C. VCF-style: chrX-17732207-T-C. GRCh37 (hg19) VCF-style: chrX-17750327-T-C.
Other names: c.4168T>C, p.Ser1390Pro (NM_001136024.4); c.4105T>C, p.Ser1369Pro (NM_001291868.2); c.4636T>C, p.Ser1546Pro (NM_198270.4); short protein forms S1369P, S1390P, S1567P, S1546P.
Identifiers: ClinVar variation 2970882 (VCV002970882.3), dbSNP rs764926341, ClinGen allele CA10358951.
Genomic context (GRCh38, chrX:17,732,207, plus strand): 5'-AAACCTCCTGGGGAGCTCACAGCAGAGTCCCCTCAGAGCACCGATGATGCCCATCAGGGG[T>C]CACAAGGGGCTGAGGCATTGTCCCCACTCTCTCCATGCTCCCCACGAGTTAATGCAGAAG-3'
Protein context (NP_001278796.1, residues 1557-1577): PQSTDDAHQG[Ser1567Pro]QGAEALSPLS

ClinVar aggregate classification (germline): Uncertain significance (1 of 4 stars; one submission).

Conditions:
Nance-Horan syndrome (NHS). Identifiers: Orphanet 627, MedGen C0796085, MONDO:0010545, OMIM 302350.

Allele frequency attached by ClinVar (database versions not stated): ExAC 0.00001; gnomAD exomes 0.00001.
gnomAD v4.1: 6 of 1,211,299 alleles (0.0005%); highest among the groups gnomAD compares: East Asian, 0.015%; no homozygotes.

Submission:

Labcorp Genetics (formerly Invitae), Labcorp
Classification: Uncertain significance for Nance-Horan syndrome. Last evaluated: 2025-07-07. Review status: criteria provided, single submitter. Criteria: Invitae Variant Classification Sherloc (09022015). Collection method: clinical testing. Allele origin: germline.
Comment: This sequence change replaces serine, which is neutral and polar, with proline, which is neutral and non-polar, at codon 1546 of the NHS protein (p.Ser1546Pro). This variant is present in population databases (rs764926341, gnomAD 0.02%), including at least one homozygous and/or hemizygous individual. This variant has not been reported in the literature in individuals affected with NHS-related conditions. ClinVar contains an entry for this variant (Variation ID: 2970882). An algorithm developed to predict the effect of missense changes on protein structure and function (PolyPhen-2) suggests that this variant is likely to be disruptive. In summary, the available evidence is currently insufficient to determine the role of this variant in disease. Therefore, it has been classified as a Variant of Uncertain Significance.